The following is an entry in ClinVar:

ClinVar aggregate classification (germline): Uncertain significance (1 of 4 stars; one submission).

Submission:

GeneDx
Classification: Uncertain significance. Last evaluated: 2025-02-16. Review status: criteria provided, single submitter. Criteria: GeneDx Variant Classification Process June 2021. Collection method: clinical testing. Allele origin: germline. Affected: yes.
Comment: Not observed at significant frequency in large population cohorts (gnomAD); In silico analysis supports that this missense variant has a deleterious effect on protein structure/function; Has not been previously published as pathogenic or benign to our knowledge

NM_000384.3(APOB):c.11069T>A (p.Leu3690Gln)

Gene: APOB (apolipoprotein B; minus strand). Cytogenetic location: 2p24.1.
Variant type: single nucleotide variant.
Coding change: c.11069T>A on transcript NM_000384.3 (MANE Select); coding-DNA position 11069, T replaced by A.
Protein change: p.Leu3690Gln; replaces leucine 3690 with glutamine.
Molecular consequence: missense variant.
Genome position (GRCh38, 1-based): chr2:21,005,799, A>T on the plus strand (T>A on the coding strand, the complement: APOB is on the minus strand). VCF-style: chr2-21005799-A-T. GRCh37 (hg19) VCF-style: chr2-21228671-A-T.
Other names: short protein forms L3690Q.
Identifiers: ClinVar variation 4076701 (VCV004076701.1).